The following is an entry in ClinVar:

NM_000408.5(GPD2):c.579T>C (p.Tyr193=)

Gene: GPD2 (glycerol-3-phosphate dehydrogenase 2; plus strand). Cytogenetic location: 2q24.1.
Variant type: single nucleotide variant.
Coding change: c.579T>C on transcript NM_000408.5 (MANE Select); coding-DNA position 579, T replaced by C.
Protein change: p.Tyr193=; no amino-acid change (tyrosine 193 retained).
Molecular consequence: synonymous variant.
Genome position (GRCh38, 1-based): chr2:156,513,414, T>C. VCF-style: chr2-156513414-T-C. GRCh37 (hg19) VCF-style: chr2-157369926-T-C.
Other names: c.579T>C, p.Tyr193= (NM_001083112.3).
Identifiers: ClinVar variation 3048014 (VCV003048014.2), dbSNP rs376931205, ClinGen allele CA1916701.

ClinVar aggregate classification (germline): Likely benign (0 of 4 stars; one submission).

Conditions:
GPD2-related disorder. Also called: GPD2-related condition.

Allele frequency attached by ClinVar (database versions not stated): ExAC 0.00013; ESP Exome Variant Server 0.00015; TOPMed 0.00015; gnomAD exomes 0.00027.
gnomAD v4.1: 420 of 1,612,626 alleles (0.026%); highest among the groups gnomAD compares: Non-Finnish European, 0.033%; no homozygotes.

Submission:

PreventionGenetics, part of Exact Sciences
Classification: Likely benign for GPD2-related condition. Last evaluated: 2019-12-09. Review status: no assertion criteria provided. Collection method: clinical testing. Allele origin: germline.
Comment: This variant is classified as likely benign based on ACMG/AMP sequence variant interpretation guidelines (Richards et al. 2015 PMID: 25741868, with internal and published modifications).